The following is an entry in ClinVar:

ClinVar aggregate classification (germline): Uncertain significance (1 of 4 stars; one submission).

Conditions:
POLD1-related polyposis and colorectal cancer syndrome (CRCS10). Also called: Colorectal cancer 10; COLORECTAL CANCER, SUSCEPTIBILITY TO, ON CHROMOSOME 19q; Colorectal cancer, susceptibility to, 10. Identifiers: Orphanet 220460, MedGen C2675481, MONDO:0012953, OMIM 612591.

gnomAD v4.1: 1 of 1,614,112 alleles (0.000062%); highest among the groups gnomAD compares: Non-Finnish European, 0.000085%; no homozygotes.

Submission:

Labcorp Genetics (formerly Invitae), Labcorp
Classification: Uncertain significance for POLD1-related polyposis and colorectal cancer syndrome. Last evaluated: 2023-04-27. Review status: criteria provided, single submitter. Criteria: Invitae Variant Classification Sherloc (09022015). Collection method: clinical testing. Allele origin: germline.
Comment: This sequence change replaces arginine, which is basic and polar, with proline, which is neutral and non-polar, at codon 174 of the POLD1 protein (p.Arg174Pro). This variant is not present in population databases (gnomAD no frequency). This variant has not been reported in the literature in individuals affected with POLD1-related conditions. Advanced modeling of protein sequence and biophysical properties (such as structural, functional, and spatial information, amino acid conservation, physicochemical variation, residue mobility, and thermodynamic stability) performed at Invitae indicates that this missense variant is not expected to disrupt POLD1 protein function. In summary, the available evidence is currently insufficient to determine the role of this variant in disease. Therefore, it has been classified as a Variant of Uncertain Significance.

NM_002691.4(POLD1):c.521G>C (p.Arg174Pro)

Gene: POLD1 (DNA polymerase delta 1, catalytic subunit; plus strand). Cytogenetic location: 19q13.33.
Variant type: single nucleotide variant.
Coding change: c.521G>C on transcript NM_002691.4 (MANE Select); coding-DNA position 521, G replaced by C.
Protein change: p.Arg174Pro; replaces arginine 174 with proline.
Molecular consequence: missense variant. On other transcripts: non-coding transcript variant (1).
Genome position (GRCh38, 1-based): chr19:50,402,056, G>C. VCF-style: chr19-50402056-G-C. GRCh37 (hg19) VCF-style: chr19-50905313-G-C.
Other names: c.521G>C, p.Arg174Pro (NM_001256849.1, NM_001308632.1); short protein forms R174P.
Identifiers: ClinVar variation 2916468 (VCV002916468.3), dbSNP rs141976385, ClinGen allele CA406973149.
Genomic context (GRCh38, chr19:50,402,056, plus strand): 5'-CAGGTTTCGGGCCCGAGCACATGGGTGACCTGCAACGGGAGCTGAACTTGGCCATCAGCC[G>C]GGACAGTCGCGGGGGGAGGGAGCTGACTGGGCCGGCCGTGCTGGCTGTGGAACTGTGCTC-3'
Protein context (NP_002682.2, residues 164-184): LQRELNLAIS[Arg174Pro]DSRGGRELTG